The following is an entry in ClinVar:

NM_001083116.3(PRF1):c.519G>C (p.Thr173=)

Gene: PRF1 (perforin 1; minus strand). Cytogenetic location: 10q22.1.
Variant type: single nucleotide variant.
Coding change: c.519G>C on transcript NM_001083116.3 (MANE Select); coding-DNA position 519, G replaced by C.
Protein change: p.Thr173=; no amino-acid change (threonine 173 retained).
Molecular consequence: synonymous variant.
Genome position (GRCh38, 1-based): chr10:70,600,384, C>G on the plus strand (G>C on the coding strand, the complement: PRF1 is on the minus strand). VCF-style: chr10-70600384-C-G. GRCh37 (hg19) VCF-style: chr10-72360140-C-G.
Other names: c.519G>C, p.Thr173= (NM_005041.6).
Identifiers: ClinVar variation 536227 (VCV000536227.19), dbSNP rs112883709, ClinGen allele CA5539018.

ClinVar aggregate classification (germline): Conflicting classifications of pathogenicity. Review status: criteria provided, conflicting classifications (1 of 4 stars). 4 submissions from 4 submitters: Uncertain significance (1); Benign (1); Likely benign (1). 1 of the submissions does not count toward it. Last evaluated 2026-01-04.

Conditions:
PRF1-related disorder. Also called: PRF1-related condition.
Familial hemophagocytic lymphohistiocytosis 2 (FHL2). Also called: PRF1-Related Familial Hemophagocytic Lymphohistiocytosis (PRF1-fHLH). Identifiers: Orphanet 540, MedGen C1863727, MONDO:0011337, OMIM 603553.

Allele frequency attached by ClinVar (database versions not stated): 1000 Genomes Project 30x 0.00016; TOPMed 0.00019.

Submissions (4):

Labcorp Genetics (formerly Invitae), Labcorp
Classification: Benign for Familial hemophagocytic lymphohistiocytosis 2. Last evaluated: 2026-01-04. Review status: criteria provided, single submitter. Criteria: Invitae Variant Classification Sherloc (09022015). Collection method: clinical testing. Allele origin: germline.

Blueprint Genetics
Classification: Likely benign. Last evaluated: 2022-09-07. Review status: criteria provided, single submitter. Criteria: ACMG Guidelines, 2015. Collection method: clinical testing. Allele origin: germline.

Illumina Laboratory Services, Illumina
Classification: Uncertain significance for Familial hemophagocytic lymphohistiocytosis 2. Last evaluated: 2017-04-27. Review status: criteria provided, single submitter. Criteria: ICSL Variant Classification Criteria 13 December 2019. Collection method: clinical testing. Allele origin: germline.

PreventionGenetics, part of Exact Sciences
Classification: Likely benign for PRF1-related condition. Last evaluated: 2019-05-21. Review status: no assertion criteria provided. Collection method: clinical testing. Allele origin: germline. Not counted in ClinVar's aggregate classification.
Comment: This variant is classified as likely benign based on ACMG/AMP sequence variant interpretation guidelines (Richards et al. 2015 PMID: 25741868, with internal and published modifications).